The following is an entry in ClinVar:

NM_000159.4(GCDH):c.926T>G (p.Leu309Trp)

Gene: GCDH (glutaryl-CoA dehydrogenase; plus strand). Cytogenetic location: 19p13.13.
Variant type: single nucleotide variant.
Coding change: c.926T>G on transcript NM_000159.4 (MANE Select); coding-DNA position 926, T replaced by G.
Protein change: p.Leu309Trp; replaces leucine 309 with tryptophan.
Molecular consequence: missense variant. On other transcripts: non-coding transcript variant (2).
Genome position (GRCh38, 1-based): chr19:12,896,983, T>G. VCF-style: chr19-12896983-T-G. GRCh37 (hg19) VCF-style: chr19-13007797-T-G.
Other names: c.926T>G, p.Leu309Trp (NM_013976.5); short protein forms L309W.
Identifiers: ClinVar variation 2736819 (VCV002736819.5), dbSNP rs1247712895, ClinGen allele CA404319538.

ClinVar aggregate classification (germline): Conflicting classifications of pathogenicity. Review status: criteria provided, conflicting classifications (1 of 4 stars). 3 submissions from 3 submitters: Pathogenic (1); Uncertain significance (2). Last evaluated 2026-05-13.

Conditions:
Glutaric aciduria, type 1. Also called: Glutaric Acidemia Type 1; Glutaricaciduria, type I; Glutaryl-CoA dehydrogenase deficiency; Glutaric acidemia type I; GA I; Glutaricacidemia Type 1. Identifiers: Orphanet 25, MedGen C0268595, MONDO:0009281, OMIM 231670.

Allele frequency attached by ClinVar (database versions not stated): gnomAD exomes 0.00001.
gnomAD v4.1: 11 of 1,612,920 alleles (0.00068%); highest among the groups gnomAD compares: Non-Finnish European, 0.00093%; no homozygotes.

Submissions (3):

Myriad Genetics, Inc.
Classification: Uncertain significance for Glutaric aciduria, type 1. Last evaluated: 2026-05-13. Review status: criteria provided, single submitter. Criteria: Myriad Autosomal Dominant, Autosomal Recessive and X-Linked Classification Criteria (2023). Collection method: clinical testing. Allele origin: unknown.
Comment: NM_000159.2(GCDH):c.926T>G(L309W) is a missense variant classified as a variant of uncertain significance in the context of glutaric acidemia, GCDH-related. L309W has been observed in cases with relevant disease (PMID: 10699052, 10960496). Relevant functional assessments of this variant are not available in the literature. L309W has been observed in referenced population frequency databases. In summary, there is insufficient evidence to classify NM_000159.2(GCDH):c.926T>G(L309W) as pathogenic or benign. Please note: this variant was assessed in the context of healthy population screening.

Baylor Genetics
Classification: Pathogenic for Glutaric aciduria, type 1. Last evaluated: 2024-03-05. Review status: criteria provided, single submitter. Criteria: ACMG Guidelines, 2015. Collection method: clinical testing. Allele origin: unknown.

Labcorp Genetics (formerly Invitae), Labcorp
Classification: Uncertain significance for Glutaric aciduria, type 1. Last evaluated: 2023-04-17. Review status: criteria provided, single submitter. Criteria: Invitae Variant Classification Sherloc (09022015). Collection method: clinical testing. Allele origin: germline.
Comment: In summary, the available evidence is currently insufficient to determine the role of this variant in disease. Therefore, it has been classified as a Variant of Uncertain Significance. Advanced modeling of protein sequence and biophysical properties (such as structural, functional, and spatial information, amino acid conservation, physicochemical variation, residue mobility, and thermodynamic stability) performed at Invitae indicates that this missense variant is not expected to disrupt GCDH protein function. This missense change has been observed in individual(s) with glutaric aciduria type I (PMID: 9711871, 10699052, 10960496). This variant is present in population databases (no rsID available, gnomAD 0.0009%). This sequence change replaces leucine, which is neutral and non-polar, with tryptophan, which is neutral and slightly polar, at codon 309 of the GCDH protein (p.Leu309Trp).

Literature cited by the submitters: PubMed 10699052 (cited by Myriad Genetics, Inc. and Labcorp Genetics (formerly Invitae), Labcorp); PubMed 10960496 (cited by Myriad Genetics, Inc. and Labcorp Genetics (formerly Invitae), Labcorp); PubMed 9711871 (cited by Labcorp Genetics (formerly Invitae), Labcorp).